The following is an entry in ClinVar:

ClinVar aggregate classification (germline): Uncertain significance (1 of 4 stars; one submission).

Conditions:
Bethlem myopathy 1A. Also called: MYOPATHY, BENIGN CONGENITAL, WITH CONTRACTURES; Bethlem Muscular Dystrophy; Bethlem myopathy 1. Identifiers: Orphanet 610, MedGen CN029274, MONDO:0024530, OMIM 158810.

Submission:

Labcorp Genetics (formerly Invitae), Labcorp
Classification: Uncertain significance for Bethlem myopathy 1A. Last evaluated: 2023-12-22. Review status: criteria provided, single submitter. Criteria: Invitae Variant Classification Sherloc (09022015). Collection method: clinical testing. Allele origin: germline.
Comment: This variant results in a copy number gain of the genomic region encompassing exon(s) 4-44 of the COL6A3 gene. This region includes the termination codon of the gene. This copy number gain extends beyond the assayed region for this gene and therefore may encompass additional genes. As the precise location of this event is unknown, it may be in tandem or it may be located elsewhere in the genome. This variant has not been reported in the literature in individuals affected with COL6A3-related conditions. In summary, the available evidence is currently insufficient to determine the role of this variant in disease. Therefore, it has been classified as a Variant of Uncertain Significance.

NC_000002.12:g.(?_236573327)_(237388194_?)dup

Genes: ACKR3 (atypical chemokine receptor 3; plus strand), COL6A3 (collagen type VI alpha 3 chain; minus strand), COPS8 (COP9 signalosome subunit 8; plus strand). Cytogenetic location: 2q37.3.
Variant type: Duplication.
Identifiers: ClinVar variation 832840 (VCV000832840.4).